The following is an entry in ClinVar:

NM_003803.4(MYOM1):c.624CACGGCATCCAGGCAGTC[1] (p.209TASRQS[1])

Gene: MYOM1 (myomesin 1; minus strand). Cytogenetic location: 18p11.31.
Variant type: Microsatellite.
Coding change: c.624CACGGCATCCAGGCAGTC[1] on transcript NM_003803.4 (MANE Select); one copy of the 18-base unit CACGGCATCCAGGCAGTC starting at c.624; the reference has two copies in a row; one copy, 18 bases deleted.
Protein change: p.209TASRQS[1].
Molecular consequence: inframe deletion.
Genome position (GRCh38, 1-based): chr18:3,188,860-3,188,877, GACTGCCTGGATGCCGTG deleted on the plus strand (CACGGCATCCAGGCAGTC on the coding strand, the reverse complement: MYOM1 is on the minus strand); deleting any 18 consecutive bases within chr18:3,188,860-3,188,901 gives the same sequence; the position shown is the placement nearest the transcript's 3' end. VCF-style (leftmost placement, unchanged base first): chr18-3188859-AGACTGCCTGGATGCCGTG-A. GRCh37 (hg19) VCF-style: chr18-3188857-AGACTGCCTGGATGCCGTG-A.
Other names: c.642_659delCACGGCATCCAGGCAGTC (NM_003803.3); c.624CACGGCATCCAGGCAGTC[1], p.209TASRQS[1] (NM_019856.2).
Identifiers: ClinVar variation 644199 (VCV000644199.5), dbSNP rs754986396, ClinGen allele CA8875181.

ClinVar aggregate classification (germline): Uncertain significance (1 of 4 stars; one submission).

Conditions:
Hypertrophic cardiomyopathy. Also called: HYPERTROPHIC MYOCARDIOPATHY. Identifiers: Orphanet 217569, MedGen C0007194, MeSH D002312, MONDO:0005045, HP:0001639.

Submission:

Labcorp Genetics (formerly Invitae), Labcorp
Classification: Uncertain significance for Hypertrophic cardiomyopathy. Last evaluated: 2026-01-28. Review status: criteria provided, single submitter. Criteria: Invitae Variant Classification Sherloc (09022015). Collection method: clinical testing. Allele origin: germline.
Comment: This variant, c.642_659del, results in the deletion of 6 amino acid(s) of the MYOM1 protein (p.Thr215_Ser220del), but otherwise preserves the integrity of the reading frame. The frequency data for this variant in the population databases is considered unreliable, as metrics indicate poor data quality at this position in the gnomAD database. This variant has not been reported in the literature in individuals affected with MYOM1-related conditions. Experimental studies and prediction algorithms are not available or were not evaluated, and the functional significance of this variant is currently unknown. In summary, the available evidence is currently insufficient to determine the role of this variant in disease. Therefore, it has been classified as a Variant of Uncertain Significance.